The following is an entry in ClinVar:

ClinVar aggregate classification (germline): Uncertain significance (1 of 4 stars; one submission).

Conditions:
Inborn genetic diseases. Identifiers: MedGen C0950123, MeSH D030342.

gnomAD v4.1: 3 of 1,613,652 alleles (0.00019%); highest among the groups gnomAD compares: South Asian, 0.0011%; no homozygotes.

Submission:

Ambry Genetics
Classification: Uncertain significance for Inborn genetic diseases. Last evaluated: 2025-01-20. Review status: criteria provided, single submitter. Criteria: Ambry Variant Classification Scheme 2023. Collection method: clinical testing. Allele origin: germline.
Comment: The p.T356M variant (also known as c.1067C>T), located in coding exon 7 of the MECOM gene, results from a C to T substitution at nucleotide position 1067. The threonine at codon 356 is replaced by methionine, an amino acid with similar properties. This amino acid position is conserved. In addition, the in silico prediction for this alteration is inconclusive. Based on the available evidence, the clinical significance of this variant remains unclear.

NM_004991.4(MECOM):c.1067C>T (p.Thr356Met)

Gene: MECOM (MDS1 and EVI1 complex locus; minus strand). Cytogenetic location: 3q26.2.
Variant type: single nucleotide variant.
Coding change: c.1067C>T on transcript NM_004991.4 (MANE Select); coding-DNA position 1067, C replaced by T.
Protein change: p.Thr356Met; replaces threonine 356 with methionine.
Molecular consequence: missense variant.
Genome position (GRCh38, 1-based): chr3:169,121,121, G>A on the plus strand (C>T on the coding strand, the complement: MECOM is on the minus strand). VCF-style: chr3-169121121-G-A. GRCh37 (hg19) VCF-style: chr3-168838909-G-A.
Other names: c.698C>T, p.Thr233Met (NM_001105077.4); c.503C>T, p.Thr168Met (NM_001105078.4, NM_001164000.2, NM_001205194.2 and 5 more transcripts); c.506C>T, p.Thr169Met (NM_001163999.2, NM_001366467.2, NM_001366468.2 and 1 more transcripts); c.1067C>T, p.Thr356Met (NM_001366466.2, NM_001366473.2); short protein forms T169M, T356M, T168M, T233M.
Identifiers: ClinVar variation 3871735 (VCV003871735.1).
Genomic context (GRCh38, chr3:169,121,121, plus strand): 5'-AAGGGCTTCACACTGCTGTGGATGTGCTTGTGTTGTTTGAGGCCCGACGAAGTGGCAAAC[G>A]TTTTGCCACACTCCGGGCATGCATGGGCCCGGGCACCGACATGCTGAGAGCGAATGTGCC-3'
Protein context (NP_004982.2, residues 346-366): RAHACPECGK[Thr356Met]FATSSGLKQH